The following is an entry in ClinVar:

ClinVar aggregate classification (germline): Pathogenic. Review status: reviewed by expert panel (3 of 4 stars). 7 submissions from 7 submitters: Pathogenic (1). 6 of the submissions do not count toward it. Last evaluated 2021-03-05.

Conditions:
Glanzmann thrombasthenia 2. Also called: BLEEDING DISORDER, PLATELET-TYPE, 23. Identifiers: MedGen C5543273, MONDO:0031009, OMIM 619267.
Bleeding disorder, platelet-type, 24. Also called: GLANZMANN THROMBASTHENIA-LIKE WITH MACROTHROMBOCYTOPENIA 2. Identifiers: MedGen C5543280, MONDO:0030996, OMIM 619271.
Myocardial infarction, susceptibility to. Identifiers: MedGen C1832662, MONDO:0012039, OMIM 608446.
Glanzmann thrombasthenia. Also called: THROMBASTHENIA OF GLANZMANN AND NAEGELI; Thrombasthenia; Glanzmann's thrombasthenia; PLATELET GLYCOPROTEIN IIb-IIIa DEFICIENCY. Identifiers: Orphanet 849, MedGen C0040015, MONDO:0100326.
ITGB3-related disorder. Also called: ITGB3-related condition.

Allele frequency attached by ClinVar (database versions not stated): TOPMed 0.00003; gnomAD exomes 0.00004 and 0.00009; gnomAD 0.00001; ExAC 0.00012.
gnomAD v4.1: 24 of 1,613,974 alleles (0.0015%); highest among the groups gnomAD compares: Admixed American, 0.04%; no homozygotes.

Submissions (7):

ClinGen Platelet Disorders Variant Curation Expert Panel, ClinGen
Classification: Pathogenic for Glanzmann thrombasthenia. Last evaluated: 2021-03-05. Review status: reviewed by expert panel. Criteria: ClinGen Platelet ACMG Specifications v2. Collection method: curation. Allele origin: germline. Inheritance: Autosomal recessive inheritance.
Comment: NM_000212.3(ITGB3):c.777+1G>A is a canonical splice donor variant which is predicted to cause skipping of exon 5, with a frameshift resulting in NMD. It has been reported to occur in one homozygous and one compound heterozygous proband, and at least one of those individuals satisfies clinical and laboratory criteria for GT phenotype (PMID: 25728920). This variant was reported to co-segregate in at least two affected members of a family (PMID: 25728970). This variant meets GT specific criteria for PVS1, PP4_strong, and PP1 and is therefore classified as Pathogenic.

Labcorp Genetics (formerly Invitae), Labcorp
Classification: Pathogenic. Last evaluated: 2026-01-30. Review status: criteria provided, single submitter. Criteria: Invitae Variant Classification Sherloc (09022015). Collection method: clinical testing. Allele origin: germline. Not counted in ClinVar's aggregate classification.
Comment: This sequence change affects a donor splice site in intron 5 of the ITGB3 gene. It is expected to disrupt RNA splicing. Variants that disrupt the donor or acceptor splice site typically lead to a loss of protein function (PMID: 16199547), and loss-of-function variants in ITGB3 are known to be pathogenic (PMID: 21917754). This variant is present in population databases (rs745766760, gnomAD 0.06%). Disruption of this splice site has been observed in individuals with Glanzmann thrombasthenia (PMID: 9215749, 25728920). This variant is also known as IVS5 +1G>A. ClinVar contains an entry for this variant (Variation ID: 850886). Algorithms developed to predict the effect of sequence changes on RNA splicing suggest that this variant may disrupt the consensus splice site. For these reasons, this variant has been classified as Pathogenic.

PreventionGenetics, part of Exact Sciences
Classification: Pathogenic for ITGB3-related condition. Last evaluated: 2025-07-16. Review status: criteria provided, single submitter. Criteria: ACMG Guidelines, 2015. Collection method: clinical testing. Allele origin: germline. Not counted in ClinVar's aggregate classification.
Comment: The ITGB3 c.777+1G>A variant is predicted to disrupt the GT donor site and interfere with normal splicing. This variant has been reported in the compound heterozygous and homozygous states in patients with autosomal recessive Glanzmann thrombasthenia, and has been classified as pathogenic by a ClinGen expert panel (French et al. 1997. PubMed ID: 9215749; Nurden et al. 2015. PubMed ID: 25728920; ClinVar Variation ID: 850886). This variant is reported in 0.068% of alleles in individuals of Latino descent in gnomAD. Variants that disrupt the consensus splice donor site in ITGB3 are expected to be pathogenic. This variant is interpreted as pathogenic.

GeneDx
Classification: Likely pathogenic. Last evaluated: 2024-12-19. Review status: criteria provided, single submitter. Criteria: GeneDx Variant Classification Process June 2021. Collection method: clinical testing. Allele origin: germline. Affected: yes. Not counted in ClinVar's aggregate classification.
Comment: Observed multiple times with another ITGB3 variant in unrelated patients with Glanzmann thrombasthenia in published literature, but it is not known whether the variants occurred on the same (in cis) or on different (in trans) chromosomes (PMID: 9215749, 25728920, 36884296); Canonical splice site variant predicted to result in a null allele in a gene for which loss of function is a known mechanism of disease; This variant is associated with the following publications: (PMID: 21917754, 9215749, 25728920, 36884296)

Fulgent Genetics
Classification: Pathogenic for Myocardial infarction, susceptibility to; Glanzmann thrombasthenia 2; Bleeding disorder, platelet-type, 24. Last evaluated: 2024-03-17. Review status: criteria provided, single submitter. Criteria: ACMG Guidelines, 2015. Collection method: clinical testing. Allele origin: germline. Not counted in ClinVar's aggregate classification.

3billion
Classification: Pathogenic for Glanzmann thrombasthenia 2. Last evaluated: 2023-02-23. Review status: criteria provided, single submitter. Criteria: ACMG Guidelines, 2015. Collection method: clinical testing. Allele origin: unknown. Affected: yes. Not counted in ClinVar's aggregate classification.
Comment: The variant is observed at an extremely low frequency in the gnomAD v2.1.1 dataset (total allele frequency: 0.009%). This variant was predicted to alter splicing and result in a loss or disruption of normal protein function. Multiple pathogenic loss-of-function variants are reported downstream of the variant. The variant has been reported multiple times as an established pathogenic variant (ClinVar ID: VCV000850886). Therefore, this variant is classified as Pathogenic according to the recommendation of ACMG/AMP guideline.

Genetic Services Laboratory, University of Chicago
Classification: Pathogenic. Last evaluated: 2019-10-24. Review status: criteria provided, single submitter. Criteria: ACMG Guidelines, 2015. Collection method: clinical testing. Allele origin: germline. Affected: yes. Not counted in ClinVar's aggregate classification.
Comment: DNA sequence analysis of the ITGB3 gene demonstrated a sequence change in the canonical splice donor site of intron 5, c.777+1G>A. This sequence change has been described in the gnomAD database with a low population frequency of 0.0086% (dbSNP rs745766760). This sequence change is predicted to affect normal splicing of the ITGB3 gene and result in an abnormal protein. This pathogenic sequence change has previously been described in the compound heterozygous state in a patient with Glanzmann thrombasthenia (PMID: 9215749).

Literature cited by the submitters: PubMed 16199547 (cited by Labcorp Genetics (formerly Invitae), Labcorp); PubMed 21917754 (cited by Labcorp Genetics (formerly Invitae), Labcorp); PubMed 9215749 (cited by Labcorp Genetics (formerly Invitae), Labcorp); PubMed 25728920 (cited by Labcorp Genetics (formerly Invitae), Labcorp).

NM_000212.3(ITGB3):c.777+1G>A

Genes: ITGB3 (integrin subunit beta 3; plus strand), LOC130061044 (ATAC-STARR-seq lymphoblastoid active region 12308; plus strand). Cytogenetic location: 17q21.32.
Variant type: single nucleotide variant.
Coding change: c.777+1G>A on transcript NM_000212.3 (MANE Select); the canonical splice donor site of the intron after coding-DNA position 777, G replaced by A.
Molecular consequence: splice donor variant.
Genome position (GRCh38, 1-based): chr17:47,286,423, G>A. VCF-style: chr17-47286423-G-A. GRCh37 (hg19) VCF-style: chr17-45363789-G-A.
Other names: NM_000212.3:c.777+1G>A.
Identifiers: ClinVar variation 850886 (VCV000850886.17), dbSNP rs745766760, ClinGen allele CA8623036.